The following is an entry in ClinVar:

ClinVar aggregate classification (germline): Uncertain significance (1 of 4 stars; one submission).

Submission:

CeGaT Center for Human Genetics Tuebingen
Classification: Uncertain significance. Last evaluated: 2024-12-01. Review status: criteria provided, single submitter. Criteria: CeGaT Center For Human Genetics Tuebingen Variant Classification Criteria Version 2. Collection method: clinical testing. Allele origin: germline. Affected: yes. Observed: 1 variant allele.
Comment: KDM3B: PM2, PP2

NM_016604.4(KDM3B):c.5281T>C (p.Ser1761Pro)

Gene: KDM3B (lysine demethylase 3B; plus strand). Cytogenetic location: 5q31.2.
Variant type: single nucleotide variant.
Coding change: c.5281T>C on transcript NM_016604.4 (MANE Select); coding-DNA position 5281, T replaced by C.
Protein change: p.Ser1761Pro; replaces serine 1761 with proline.
Molecular consequence: missense variant.
Genome position (GRCh38, 1-based): chr5:138,435,695, T>C. VCF-style: chr5-138435695-T-C. GRCh37 (hg19) VCF-style: chr5-137771384-T-C.
Other names: short protein forms S1761P.
Identifiers: ClinVar variation 3390263 (VCV003390263.14).